The following is an entry in ClinVar:

ClinVar aggregate classification (germline): Uncertain significance (1 of 4 stars; one submission).

Submission:

GeneDx
Classification: Uncertain significance. Last evaluated: 2021-03-03. Review status: criteria provided, single submitter. Criteria: GeneDx Variant Classification Process June 2021. Collection method: clinical testing. Allele origin: germline. Affected: yes.
Comment: Not observed in large population cohorts (Lek et al., 2016); In silico analysis supports that this missense variant has a deleterious effect on protein structure/function; Has not been previously published as pathogenic or benign to our knowledge

NM_006267.5(RANBP2):c.6995T>C (p.Val2332Ala)

Gene: RANBP2 (RAN binding protein 2; plus strand). Cytogenetic location: 2q13.
Variant type: single nucleotide variant.
Coding change: c.6995T>C on transcript NM_006267.5 (MANE Select); coding-DNA position 6995, T replaced by C.
Protein change: p.Val2332Ala; replaces valine 2332 with alanine.
Molecular consequence: missense variant.
Genome position (GRCh38, 1-based): chr2:108,767,534, T>C. VCF-style: chr2-108767534-T-C. GRCh37 (hg19) VCF-style: chr2-109383990-T-C.
Other names: short protein forms V2332A.
Identifiers: ClinVar variation 1314103 (VCV001314103.2), dbSNP rs2149283305, ClinGen allele CA348076795.